The following is an entry in ClinVar:

ClinVar aggregate classification (germline): Pathogenic (1 of 4 stars; one submission).

Conditions:
Polycystic kidney disease 4 (PKD4). Also called: POLYCYSTIC KIDNEY AND HEPATIC DISEASE 1; POLYCYSTIC KIDNEY DISEASE, INFANTILE, TYPE I; POLYCYSTIC KIDNEY DISEASE 4 WITH OR WITHOUT POLYCYSTIC LIVER DISEASE; PKD3; Autosomal Recessive Polycystic Kidney Disease – PKHD1. Identifiers: MedGen C4540575, MONDO:0033004, OMIM 263200.

Submission:

Myriad Genetics, Inc.
Classification: Pathogenic for Polycystic kidney disease 4. Last evaluated: 2023-09-16. Review status: criteria provided, single submitter. Criteria: Myriad Autosomal Dominant, Autosomal Recessive and X-Linked Classification Criteria (2023). Collection method: clinical testing. Allele origin: unknown.
Comment: NM_138694.3(PKHD1):c.9755delC(P3252Qfs*12) is expected to be pathogenic in the context of autosomal recessive polycystic kidney disease, PKHD1-related. This variant is predicted to lead to an abnormal or absent protein product due to the creation of a premature termination codon in PKHD1, a gene where loss-of-function variants are known to be pathogenic. Please note: this variant was assessed in the context of healthy population screening.

NM_138694.4(PKHD1):c.9755del (p.Pro3252fs)

Gene: PKHD1 (PKHD1 ciliary IPT domain containing fibrocystin/polyductin; minus strand). Cytogenetic location: 6p12.3.
Variant type: Deletion.
Coding change: c.9755del on transcript NM_138694.4 (MANE Select); coding-DNA position 9755, one base deleted (C; older notation c.9755delC).
Protein change: p.Pro3252fs; shifts the reading frame from proline 3252.
Molecular consequence: frameshift variant.
Genome position (GRCh38, 1-based): chr6:51,747,861, G deleted on the plus strand (C on the coding strand, the reverse complement: PKHD1 is on the minus strand); the first of 2 consecutive G bases (chr6:51,747,861-51,747,862); deleting either gives the same sequence. VCF-style (leftmost placement, unchanged base first): chr6-51747860-TG-T. GRCh37 (hg19) VCF-style: chr6-51612658-TG-T.
Other names: c.9755del, p.Pro3252fs (NM_170724.3); short protein forms P3252fs.
Identifiers: ClinVar variation 5011683 (VCV005011683.1).